The following is an entry in ClinVar:

ClinVar aggregate classification (germline): Uncertain significance (1 of 4 stars; one submission).

Submission:

GeneDx
Classification: Uncertain significance. Last evaluated: 2024-02-07. Review status: criteria provided, single submitter. Criteria: GeneDx Variant Classification Process June 2021. Collection method: clinical testing. Allele origin: germline. Affected: yes.
Comment: In-frame deletion of 1 amino acid in a non-repeat region; Not observed at significant frequency in large population cohorts (gnomAD); In silico analysis supports a deleterious effect on protein structure/function; Has not been previously published as pathogenic or benign to our knowledge

NM_014363.6(SACS):c.5316_5318del (p.Arg1773del)

Gene: SACS (sacsin molecular chaperone; minus strand). Cytogenetic location: 13q12.12.
Variant type: Deletion.
Coding change: c.5316_5318del on transcript NM_014363.6 (MANE Select); coding-DNA positions 5316 to 5318, 3 bases deleted (AAG; older notation c.5316_5318delAAG).
Protein change: p.Arg1773del; deletes arginine 1773.
Molecular consequence: inframe deletion.
Genome position (GRCh38, 1-based): chr13:23,338,558-23,338,560, CTT deleted on the plus strand (AAG on the coding strand, the reverse complement: SACS is on the minus strand); deleting any 3 consecutive bases within chr13:23,338,558-23,338,562 gives the same sequence; the c. name uses the placement nearest the transcript's 3' end. VCF-style (leftmost placement, unchanged base first): chr13-23338557-CCTT-C. GRCh37 (hg19) VCF-style: chr13-23912696-CCTT-C.
Other names: c.4875_4877del, p.Arg1626del (NM_001278055.2); short protein forms R1626del, R1773del.
Identifiers: ClinVar variation 3368978 (VCV003368978.1).